The following is an entry in ClinVar:

NM_139319.3(SLC17A8):c.1565T>G (p.Ile522Ser)

Gene: SLC17A8 (solute carrier family 17 member 8; plus strand). Cytogenetic location: 12q23.1.
Variant type: single nucleotide variant.
Coding change: c.1565T>G on transcript NM_139319.3 (MANE Select); coding-DNA position 1565, T replaced by G.
Protein change: p.Ile522Ser; replaces isoleucine 522 with serine.
Molecular consequence: missense variant.
Genome position (GRCh38, 1-based): chr12:100,419,954, T>G. VCF-style: chr12-100419954-T-G. GRCh37 (hg19) VCF-style: chr12-100813732-T-G.
Other names: c.1415T>G, p.Ile472Ser (NM_001145288.2); short protein forms I472S, I522S.
Identifiers: ClinVar variation 2643233 (VCV002643233.24), dbSNP rs2500334113, ClinGen allele CA386220483.

ClinVar aggregate classification (germline): Uncertain significance (1 of 4 stars; one submission).

Submission:

CeGaT Center for Human Genetics Tuebingen
Classification: Uncertain significance. Last evaluated: 2022-11-01. Review status: criteria provided, single submitter. Criteria: CeGaT Center For Human Genetics Tuebingen Variant Classification Criteria Version 2. Collection method: clinical testing. Allele origin: germline. Affected: yes. Observed: 1 variant allele.
Comment: SLC17A8: PM2